The following is an entry in ClinVar:

NM_001308120.2(TOGARAM1):c.1562A>G (p.Asp521Gly)

Gene: TOGARAM1 (TOG array regulator of axonemal microtubules 1; plus strand). Cytogenetic location: 14q21.2.
Variant type: single nucleotide variant.
Coding change: c.1562A>G on transcript NM_001308120.2 (MANE Select); coding-DNA position 1562, A replaced by G.
Protein change: p.Asp521Gly; replaces aspartic acid 521 with glycine.
Molecular consequence: missense variant. On other transcripts: non-coding transcript variant (1).
Genome position (GRCh38, 1-based): chr14:44,963,983, A>G. VCF-style: chr14-44963983-A-G. GRCh37 (hg19) VCF-style: chr14-45433186-A-G.
Other names: c.1562A>G, p.Asp521Gly (NM_015091.4); short protein forms D521G.
Identifiers: ClinVar variation 4292392 (VCV004292392.1).

ClinVar aggregate classification (germline): Uncertain significance (1 of 4 stars; one submission).

Conditions:
Joubert syndrome 37. Identifiers: MedGen C5543064, MONDO:0030933, OMIM 619185.

gnomAD v4.1: 19 of 1,614,198 alleles (0.0012%); highest among the groups gnomAD compares: Non-Finnish European, 0.0015%; no homozygotes.

Submission:

3billion
Classification: Uncertain significance for Joubert syndrome 37. Last evaluated: 2024-07-24. Review status: criteria provided, single submitter. Criteria: ACMG Guidelines, 2015. Collection method: clinical testing. Allele origin: germline. Affected: yes.
Comment: The variant is observed at an extremely low frequency in the gnomAD v4.0.0 dataset (total allele frequency: 0.001%). Predicted Consequence/Location: Missense variant In silico tool predictions suggest damaging effect of the variant on gene or gene product [REVEL: 0.71 (>=0.6, sensitivity 0.68 and specificity 0.92)]. Therefore, this variant is classified as VUS according to the recommendation of ACMG/AMP guideline.